The following is an entry in ClinVar:

NM_005629.4(SLC6A8):c.807C>T (p.Tyr269=)

Gene: SLC6A8 (solute carrier family 6 member 8; plus strand). Cytogenetic location: Xq28.
Variant type: single nucleotide variant.
Coding change: c.807C>T on transcript NM_005629.4 (MANE Select); coding-DNA position 807, C replaced by T.
Protein change: p.Tyr269=; no amino-acid change (tyrosine 269 retained).
Molecular consequence: synonymous variant.
Genome position (GRCh38, 1-based): chrX:153,693,070, C>T. VCF-style: chrX-153693070-C-T. GRCh37 (hg19) VCF-style: chrX-152958525-C-T.
Other names: c.807C>T, p.Tyr269= (NM_001142805.2); c.462C>T, p.Tyr154= (NM_001142806.1).
Identifiers: ClinVar variation 383066 (VCV000383066.14), dbSNP rs141219551, ClinGen allele CA10549329.

ClinVar aggregate classification (germline): Benign/Likely benign. Review status: criteria provided, multiple submitters, no conflicts (2 of 4 stars). 3 submissions from 3 submitters: Benign (1); Likely benign (2). Last evaluated 2024-11-16.

Conditions:
Inborn genetic diseases. Identifiers: MedGen C0950123, MeSH D030342.
Creatine transporter deficiency (CCDS1). Also called: SLC6A8-Related Creatine Transporter Deficiency; CREATINE TRANSPORTER DEFECT; CEREBRAL CREATINE DEFICIENCY SYNDROME 1; Mental retardation , X-linked with seizures, short stature and midface hypoplasia; Mental retardation , X-linked, with creatine transport deficiency; X-linked creatine transporter deficiency. Identifiers: Orphanet 52503, MedGen C1845862, MONDO:0010305, OMIM 300352.

Allele frequency attached by ClinVar (database versions not stated): gnomAD exomes 0.00001 and 0.00009; ExAC 0.00012; 1000 Genomes Project 30x 0.00021; gnomAD 0.00022 and 0.00023; 1000 Genomes Project 0.00026; TOPMed 0.00028; ESP Exome Variant Server 0.00076.
gnomAD v4.1: 38 of 1,209,878 alleles (0.0031%); highest among the groups gnomAD compares: African/African-American, 0.043%; no homozygotes.

Submissions (3):

Labcorp Genetics (formerly Invitae), Labcorp
Classification: Benign for Creatine transporter deficiency. Last evaluated: 2024-11-16. Review status: criteria provided, single submitter. Criteria: Invitae Variant Classification Sherloc (09022015). Collection method: clinical testing. Allele origin: germline.

Ambry Genetics
Classification: Likely benign for Inborn genetic diseases. Last evaluated: 2019-10-28. Review status: criteria provided, single submitter. Criteria: Ambry Variant Classification Scheme 2023. Collection method: clinical testing. Allele origin: germline.

GeneDx
Classification: Likely benign. Last evaluated: 2016-02-02. Review status: criteria provided, single submitter. Criteria: GeneDx Variant Classification (06012015). Collection method: clinical testing. Allele origin: germline. Affected: yes.
Comment: This variant is considered likely benign or benign based on one or more of the following criteria: it is a conservative change, it occurs at a poorly conserved position in the protein, it is predicted to be benign by multiple in silico algorithms, and/or has population frequency not consistent with disease.